The following is an entry in ClinVar:

NM_006622.4(PLK2):c.547C>T (p.Arg183Ter)

Gene: PLK2 (polo like kinase 2; minus strand). Cytogenetic location: 5q11.2.
Variant type: single nucleotide variant.
Coding change: c.547C>T on transcript NM_006622.4 (MANE Select); coding-DNA position 547, C replaced by T.
Protein change: p.Arg183Ter; replaces arginine 183 with a stop codon.
Molecular consequence: nonsense.
Genome position (GRCh38, 1-based): chr5:58,458,477, G>A on the plus strand (C>T on the coding strand, the complement: PLK2 is on the minus strand). VCF-style: chr5-58458477-G-A. GRCh37 (hg19) VCF-style: chr5-57754304-G-A.
Other names: c.505C>T, p.Arg169Ter (NM_001252226.2); short protein forms R169*, R183*.
Identifiers: ClinVar variation 3027268 (VCV003027268.22), dbSNP rs2478765564, ClinGen allele CA359814992.
Genomic context (GRCh38, chr5:58,458,477, plus strand): 5'-GCAAGATTTCTTGTTCATGAAGGTATTTCAGTCCAGACACAATCTGCCTGAGGTAGTATC[G>A]AACTTCTGGCTCTGTCAACACCTTTCTTGCTTTCAAAATATGAGCCATTGACTAAGAAGA-3'

ClinVar aggregate classification (germline): Uncertain significance (1 of 4 stars; one submission).

Submission:

CeGaT Center for Human Genetics Tuebingen
Classification: Uncertain significance. Last evaluated: 2024-02-01. Review status: criteria provided, single submitter. Criteria: CeGaT Center For Human Genetics Tuebingen Variant Classification Criteria Version 2. Collection method: clinical testing. Allele origin: germline. Affected: yes. Observed: 1 variant allele.
Comment: PLK2: PM2